The following is an entry in ClinVar:

ClinVar aggregate classification (germline): Benign/Likely benign. Review status: criteria provided, multiple submitters, no conflicts (2 of 4 stars). 5 submissions from 5 submitters: Benign (1); Likely benign (4). Last evaluated 2025-11-25.

Conditions:
Familial melanoma. Also called: Hereditary melanoma; Hereditary cutaneous melanoma. Identifiers: Orphanet 618, MedGen C1512419, MONDO:0018961.
Hereditary cancer-predisposing syndrome. Also called: Hereditary Cancer Syndrome; Tumor predisposition; Hereditary neoplastic syndrome; Neoplastic Syndromes, Hereditary. Identifiers: Orphanet 140162, MedGen C0027672, MeSH D009386, MONDO:0015356.
Melanoma, cutaneous malignant, susceptibility to, 3. Also called: Cutaneous malignant melanoma 3. Identifiers: Orphanet 618, MedGen C1836892, MONDO:0012183, OMIM 609048.

Submissions (5):

Labcorp Genetics (formerly Invitae), Labcorp
Classification: Likely benign for Familial melanoma. Last evaluated: 2025-11-25. Review status: criteria provided, single submitter. Criteria: Invitae Variant Classification Sherloc (09022015). Collection method: clinical testing. Allele origin: germline.

Myriad Genetics, Inc.
Classification: Benign for Melanoma, cutaneous malignant, susceptibility to, 3. Last evaluated: 2024-09-25. Review status: criteria provided, single submitter. Criteria: Myriad Autosomal Dominant, Autosomal Recessive and X-Linked Classification Criteria (2023). Collection method: clinical testing. Allele origin: unknown.
Comment: This variant is considered benign. This variant is a silent/synonymous amino acid change and it is not expected to impact splicing.

Ambry Genetics
Classification: Likely benign for Hereditary cancer-predisposing syndrome. Last evaluated: 2024-02-02. Review status: criteria provided, single submitter. Criteria: Ambry Variant Classification Scheme 2023. Collection method: clinical testing. Allele origin: germline.

Blueprint Genetics
Classification: Likely benign. Last evaluated: 2023-04-05. Review status: criteria provided, single submitter. Criteria: ACMG Guidelines, 2015. Collection method: clinical testing. Allele origin: germline.

GeneDx
Classification: Likely benign. Last evaluated: 2017-10-10. Review status: criteria provided, single submitter. Criteria: GeneDx Variant Classification (06012015). Collection method: clinical testing. Allele origin: germline. Affected: yes.
Comment: This variant is considered likely benign or benign based on one or more of the following criteria: it is a conservative change, it occurs at a poorly conserved position in the protein, it is predicted to be benign by multiple in silico algorithms, and/or has population frequency not consistent with disease.

NM_000075.4(CDK4):c.342C>G (p.Ala114=)

Gene: CDK4 (cyclin dependent kinase 4; minus strand). Cytogenetic location: 12q14.1.
Variant type: single nucleotide variant.
Coding change: c.342C>G on transcript NM_000075.4 (MANE Select); coding-DNA position 342, C replaced by G.
Protein change: p.Ala114=; no amino-acid change (alanine 114 retained).
Molecular consequence: synonymous variant.
Genome position (GRCh38, 1-based): chr12:57,751,219, G>C on the plus strand (C>G on the coding strand, the complement: CDK4 is on the minus strand). VCF-style: chr12-57751219-G-C. GRCh37 (hg19) VCF-style: chr12-58145002-G-C.
Other names: c.342C>G (NM_000075.3, LRG_490t1).
Identifiers: ClinVar variation 512587 (VCV000512587.11), dbSNP rs762471901, ClinGen allele CA480404564.